The following is an entry in ClinVar:

ClinVar aggregate classification (germline): Likely benign (1 of 4 stars; one submission).

Conditions:
Breast-ovarian cancer, familial, susceptibility to, 1 (BROVCA1). Also called: OVARIAN CANCER, SUSCEPTIBILITY TO; BRCA1 Hereditary Breast and Ovarian Cancer. Identifiers: Orphanet 145, MedGen C2676676, MONDO:0011450, OMIM 604370. Disease mechanism: loss of function.

gnomAD v4.1: 1 of 1,614,046 alleles (0.000062%); highest among the groups gnomAD compares: Non-Finnish European, 0.000085%; no homozygotes.

Submission:

Cancer Bioinformatics and Tumour Evolution Laboratory, Monash University
Classification: Likely benign for Breast-ovarian cancer, familial, susceptibility to, 1. Last evaluated: 2026-05-01. Review status: criteria provided, single submitter. Criteria: ClinGen BRCA1 and BRCA2 Guidelines, 2024. Collection method: curation. Allele origin: germline. Inheritance: Autosomal dominant inheritance.
Comment: Missense variant outside of a functional domain with no splice impact. BRCA1 and BRCA2 VCEP guidelines recommend application of BP1_Strong (PMID: 39142283). PMID: 36833189 - Alternate variant, c.3454G>A; p.Asp1152Asn, was found in a Norwegian study. They performed a "Cycloheximide Chase Assay for Measurement of BRCA1 Protein Stability' to assess 14 missense variants. 13 were outside functional domain and one in RING domain. This assay is used to measure protein stability. It blocks protein synthesis which allows us to investigate how long existing protein takes to degrade. Longer duration till degradation indicates higher stability. This variant showed lower protein levels (<20%) than WT and benign controls. They theorised it was because of proteasomal degradation (as transcript levels were comparable to WT) and used a protease inhibitor in HEK293T cells (MG132 assay). In this scenario, protein levels were elevated. Variant classified as VUS. This evidence does not pertain to the variant being investigated but it might be imprtant to investigate alternate mechanisms of pathogenicity (such as protein instability) for missense variants outside of the functional domains

Literature cited by the submitters: PubMed 36833189.

NM_007294.4(BRCA1):c.3454G>T (p.Asp1152Tyr)

Genes: BRCA1 (BRCA1 DNA repair associated; minus strand), LOC126862571 (BRD4-independent group 4 enhancer GRCh37_chr17:41243136-41244335; plus strand). Cytogenetic location: 17q21.31.
Variant type: single nucleotide variant.
Coding change: c.3454G>T on transcript NM_007294.4 (MANE Select); coding-DNA position 3454, G replaced by T.
Protein change: p.Asp1152Tyr; replaces aspartic acid 1152 with tyrosine.
Molecular consequence: missense variant. On other transcripts: intron variant (135).
Genome position (GRCh38, 1-based): chr17:43,092,077, C>A on the plus strand (G>T on the coding strand, the complement: BRCA1 is on the minus strand). VCF-style: chr17-43092077-C-A. GRCh37 (hg19) VCF-style: chr17-41244094-C-A.
Other names: c.3313G>T, p.Asp1105Tyr (NM_001407696.1, NM_001407697.1, NM_001407698.1 and 29 more transcripts); c.3241G>T, p.Asp1081Tyr (NM_001407571.1, NM_001407853.1, NM_001407894.1 and 9 more transcripts); c.3454G>T, p.Asp1152Tyr (NM_001407581.1, NM_001407582.1, NM_001407583.1 and 30 more transcripts); c.3451G>T, p.Asp1151Tyr (NM_001407587.1, NM_001407590.1, NM_001407591.1 and 22 more transcripts); c.3445G>T, p.Asp1149Tyr (NM_001407646.1, NM_001407647.1); c.3331G>T, p.Asp1111Tyr (NM_001407648.1, NM_001407664.1, NM_001407665.1 and 19 more transcripts); c.3328G>T, p.Asp1110Tyr (NM_001407649.1, NM_001407670.1, NM_001407671.1 and 11 more transcripts); c.3376G>T, p.Asp1126Tyr (NM_001407653.1, NM_001407654.1, NM_001407655.1 and 4 more transcripts); and 41 more; short protein forms D1024Y, D1025Y, D1040Y, D1041Y, D1063Y, D1064Y, D1081Y, D1082Y.
Identifiers: ClinVar variation 4856555 (VCV004856555.1).